The following is an entry in ClinVar:

ClinVar aggregate classification (germline): Likely pathogenic (1 of 4 stars; one submission).

Conditions:
Intellectual developmental disorder, X-linked 63. Also called: MENTAL RETARDATION, X-LINKED 68; Intellectual disability, X-linked 63. Identifiers: Orphanet 777, MedGen C1845672, MONDO:0010313, OMIM 300387.

Submission:

Institute of Human Genetics, University of Leipzig Medical Center
Classification: Likely pathogenic for Intellectual developmental disorder, X-linked 63. Last evaluated: 2022-05-06. Review status: criteria provided, single submitter. Criteria: ACMG Guidelines, 2015. Collection method: clinical testing. Allele origin: unknown. Affected: yes.
Comment: This variant was identified as hemizygous._x000D_ Criteria applied: PVS1, PM2_SUP

NM_001318510.2(ACSL4):c.1653_1654insT (p.Lys552Ter)

Gene: ACSL4 (acyl-CoA synthetase long chain family member 4; minus strand). Cytogenetic location: Xq23.
Variant type: Insertion.
Coding change: c.1653_1654insT on transcript NM_001318510.2 (MANE Select); coding-DNA positions 1653 to 1654, T inserted.
Protein change: p.Lys552Ter; replaces lysine 552 with a stop codon.
Molecular consequence: nonsense.
Genome position: GRCh38 VCF-style: chrX-109661574-T-TA. GRCh37 (hg19) VCF-style: chrX-108904803-T-TA.
Other names: c.1776_1777insT, p.Lys593Ter (NM_001318509.2, NM_022977.3); c.1653_1654insT, p.Lys552Ter (NM_004458.3); short protein forms K552*, K593*.
Identifiers: ClinVar variation 1691846 (VCV001691846.1), dbSNP rs2147391497, ClinGen allele CA2573159132.